The following is an entry in ClinVar:

NM_001277313.2(FMN1):c.2044-2659A>G

Gene: FMN1 (formin 1; minus strand). Cytogenetic location: 15q13.3.
Variant type: single nucleotide variant.
Coding change: c.2044-2659A>G on transcript NM_001277313.2 (MANE Select); 2659 bases into the intron before coding-DNA position 2044, A replaced by G.
Molecular consequence: intron variant. On other transcripts: missense variant (1).
Genome position (GRCh38, 1-based): chr15:33,067,733, T>C on the plus strand (A>G on the coding strand, the complement: FMN1 is on the minus strand). VCF-style: chr15-33067733-T-C. GRCh37 (hg19) VCF-style: chr15-33359934-T-C.
Other names: c.152A>G, p.Glu51Gly (NM_001103184.4); short protein forms E51G.
Identifiers: ClinVar variation 2052479 (VCV002052479.6), dbSNP rs199585207, ClinGen allele CA7457426.
Genomic context (GRCh38, chr15:33,067,733, plus strand): 5'-TGCTGAGATGTGGGATTCACGTCTAAACTATGGAATGCTTTCAGCACAGCATCTTCCTCT[T>C]CTGGATTCACAGATTCTAATTTACTCGTAAACCCAAATAGGGATTTCATAGAGAACTTAC-3'

ClinVar aggregate classification (germline): Uncertain significance. Review status: criteria provided, multiple submitters, no conflicts (2 of 4 stars). 2 submissions from 2 submitters: Uncertain significance (2). Last evaluated 2025-05-05.

Allele frequency attached by ClinVar (database versions not stated): 1000 Genomes Project 30x 0.00016; 1000 Genomes Project 0.00020; ExAC 0.00047; TOPMed 0.00064; gnomAD 0.00068; ESP Exome Variant Server 0.00099; gnomAD exomes 0.00113.
gnomAD v4.1: 1,719 of 1,614,016 alleles (0.11%); highest among the groups gnomAD compares: Non-Finnish European, 0.14%; no homozygotes.

Submissions (2):

Labcorp Genetics (formerly Invitae), Labcorp
Classification: Uncertain significance. Last evaluated: 2025-05-05. Review status: criteria provided, single submitter. Criteria: Invitae Variant Classification Sherloc (09022015). Collection method: clinical testing. Allele origin: germline.
Comment: This sequence change replaces glutamic acid, which is acidic and polar, with glycine, which is neutral and non-polar, at codon 51 of the FMN1 protein (p.Glu51Gly). This variant is present in population databases (rs199585207, gnomAD 0.1%), and has an allele count higher than expected for a pathogenic variant. This variant has not been reported in the literature in individuals affected with FMN1-related conditions. ClinVar contains an entry for this variant (Variation ID: 2052479). Experimental studies and prediction algorithms are not available or were not evaluated, and the functional significance of this variant is currently unknown. In summary, the available evidence is currently insufficient to determine the role of this variant in disease. Therefore, it has been classified as a Variant of Uncertain Significance.

Ambry Genetics
Classification: Uncertain significance. Last evaluated: 2024-04-09. Review status: criteria provided, single submitter. Criteria: Ambry Variant Classification Scheme 2023. Collection method: clinical testing. Allele origin: germline.